The following is an entry in ClinVar:

NM_001031710.3(KLHL7):c.751C>A (p.Pro251Thr)

Gene: KLHL7 (kelch like family member 7; plus strand). Cytogenetic location: 7p15.3.
Variant type: single nucleotide variant.
Coding change: c.751C>A on transcript NM_001031710.3 (MANE Select); coding-DNA position 751, C replaced by A.
Protein change: p.Pro251Thr; replaces proline 251 with threonine.
Molecular consequence: missense variant. On other transcripts: non-coding transcript variant (1).
Genome position (GRCh38, 1-based): chr7:23,143,983, C>A. VCF-style: chr7-23143983-C-A. GRCh37 (hg19) VCF-style: chr7-23183602-C-A.
Other names: c.607C>A, p.Pro203Thr (NM_018846.5); short protein forms P203T, P251T.
Identifiers: ClinVar variation 3389406 (VCV003389406.14).
Genomic context (GRCh38, chr7:23,143,983, plus strand): 5'-GCTAAAGTCAGGTTTCCTCTTATATCAAAGAATTTCTTAAGTAAAACGGTACAAGCTGAA[C>A]CACTTATTCAAGACAATCCTGAATGCCTTAAGATGGTGATAAGTAAGTTGCCTTAATAAC-3'
Protein context (NP_001026880.2, residues 241-261): NFLSKTVQAE[Pro251Thr]LIQDNPECLK

ClinVar aggregate classification (germline): Uncertain significance (1 of 4 stars; one submission).

Submission:

CeGaT Center for Human Genetics Tuebingen
Classification: Uncertain significance. Last evaluated: 2024-09-01. Review status: criteria provided, single submitter. Criteria: CeGaT Center For Human Genetics Tuebingen Variant Classification Criteria Version 2. Collection method: clinical testing. Allele origin: germline. Affected: yes. Observed: 1 variant allele.
Comment: KLHL7: PM2, PP2